The following is an entry in ClinVar:

ClinVar aggregate classification (germline): Uncertain significance. Review status: criteria provided, multiple submitters, no conflicts (2 of 4 stars). 2 submissions from 2 submitters: Uncertain significance (2). Last evaluated 2021-04-20.

Conditions:
Leber congenital amaurosis 2 (LCA2). Also called: AMAUROSIS CONGENITA OF LEBER II; Autosomal Recessive RPE65-Related Retinal Degeneration. Identifiers: Orphanet 65, MedGen C1859844, MONDO:0008765, OMIM 204100. Disease mechanism: loss of function.
Retinitis pigmentosa 20 (RP20). Identifiers: Orphanet 791, MedGen C3151086, MONDO:0013425, OMIM 613794.

gnomAD v4.1: 1 of 1,613,936 alleles (0.000062%); no homozygotes.

Submissions (2):

Revvity Omics, Revvity
Classification: Uncertain significance. Last evaluated: 2021-04-20. Review status: criteria provided, single submitter. Criteria: ACMG Guidelines, 2015. Collection method: clinical testing. Allele origin: germline.

Labcorp Genetics (formerly Invitae), Labcorp
Classification: Uncertain significance for Leber congenital amaurosis 2; Retinitis pigmentosa 20. Last evaluated: 2021-03-08. Review status: criteria provided, single submitter. Criteria: Invitae Variant Classification Sherloc (09022015). Collection method: clinical testing. Allele origin: germline.
Comment: In summary, the available evidence is currently insufficient to determine the role of this variant in disease. Therefore, it has been classified as a Variant of Uncertain Significance. Algorithms developed to predict the effect of missense changes on protein structure and function are either unavailable or do not agree on the potential impact of this missense change (SIFT: "Tolerated"; PolyPhen-2: "Possibly Damaging"; Align-GVGD: "Class C0"). This variant is not present in population databases (ExAC no frequency). This sequence change replaces histidine with arginine at codon 441 of the RPE65 protein (p.His441Arg). The histidine residue is highly conserved and there is a small physicochemical difference between histidine and arginine.

NM_000329.3(RPE65):c.1322A>G (p.His441Arg)

Gene: RPE65 (retinoid isomerohydrolase RPE65; minus strand). Cytogenetic location: 1p31.3.
Variant type: single nucleotide variant.
Coding change: c.1322A>G on transcript NM_000329.3 (MANE Select); coding-DNA position 1322, A replaced by G.
Protein change: p.His441Arg; replaces histidine 441 with arginine.
Molecular consequence: missense variant.
Genome position (GRCh38, 1-based): chr1:68,431,298, T>C on the plus strand (A>G on the coding strand, the complement: RPE65 is on the minus strand). VCF-style: chr1-68431298-T-C. GRCh37 (hg19) VCF-style: chr1-68896981-T-C.
Other names: short protein forms H441R.
Identifiers: ClinVar variation 849411 (VCV000849411.12), dbSNP rs1645824226, ClinGen allele CA340742401.